The following is an entry in ClinVar:

NM_006514.4(SCN10A):c.503C>G (p.Ala168Gly)

Gene: SCN10A (sodium voltage-gated channel alpha subunit 10; minus strand). Cytogenetic location: 3p22.2.
Variant type: single nucleotide variant.
Coding change: c.503C>G on transcript NM_006514.4 (MANE Select); coding-DNA position 503, C replaced by G.
Protein change: p.Ala168Gly; replaces alanine 168 with glycine.
Molecular consequence: missense variant.
Genome position (GRCh38, 1-based): chr3:38,771,375, G>C on the plus strand (C>G on the coding strand, the complement: SCN10A is on the minus strand). VCF-style: chr3-38771375-G-C. GRCh37 (hg19) VCF-style: chr3-38812866-G-C.
Other names: c.503C>G, p.Ala168Gly (NM_001293306.2, NM_001293307.2); short protein forms A168G.
Identifiers: ClinVar variation 1744937 (VCV001744937.8), dbSNP rs558639346, ClinGen allele CA2321179.

ClinVar aggregate classification (germline): Uncertain significance. Review status: criteria provided, multiple submitters, no conflicts (2 of 4 stars). 2 submissions from 2 submitters: Uncertain significance (2). Last evaluated 2025-11-18.

Conditions:
Cardiovascular phenotype. Identifiers: MedGen CN230736.
Brugada syndrome. Also called: Sudden unexplained nocturnal death syndrome; Sudden unexpected nocturnal death syndrome; Sudden Unexplained Death Syndrome; Sudden Unexplained Nocturnal Death Syndrome (SUNDS). Identifiers: Orphanet 130, MedGen C1142166, MONDO:0015263.

gnomAD v4.1: 3 of 1,614,084 alleles (0.00019%); highest among the groups gnomAD compares: Non-Finnish European, 0.00025%; no homozygotes.

Submissions (2):

Ambry Genetics
Classification: Uncertain significance for Cardiovascular phenotype. Last evaluated: 2025-11-18. Review status: criteria provided, single submitter. Criteria: Ambry Variant Classification Scheme 2023. Collection method: clinical testing. Allele origin: germline.
Comment: The p.A168G variant (also known as c.503C>G), located in coding exon 4 of the SCN10A gene, results from a C to G substitution at nucleotide position 503. The alanine at codon 168 is replaced by glycine, an amino acid with similar properties. This amino acid position is not well conserved in available vertebrate species. In addition, the in silico prediction for this alteration is inconclusive. Since supporting evidence is limited at this time, the clinical significance of this alteration remains unclear.

Labcorp Genetics (formerly Invitae), Labcorp
Classification: Uncertain significance for Brugada syndrome. Last evaluated: 2022-06-25. Review status: criteria provided, single submitter. Criteria: Invitae Variant Classification Sherloc (09022015). Collection method: clinical testing. Allele origin: germline.
Comment: This variant has not been reported in the literature in individuals affected with SCN10A-related conditions. This variant is present in population databases (rs558639346, gnomAD 0.007%). This sequence change replaces alanine, which is neutral and non-polar, with glycine, which is neutral and non-polar, at codon 168 of the SCN10A protein (p.Ala168Gly). In summary, the available evidence is currently insufficient to determine the role of this variant in disease. Therefore, it has been classified as a Variant of Uncertain Significance. Advanced modeling of protein sequence and biophysical properties (such as structural, functional, and spatial information, amino acid conservation, physicochemical variation, residue mobility, and thermodynamic stability) performed at Invitae indicates that this missense variant is expected to disrupt SCN10A protein function.